The following is an entry in ClinVar:

NM_000444.6(PHEX):c.2039_2042dup (p.Asn681fs)

Genes: PHEX (phosphate regulating endopeptidase X-linked; plus strand), PTCHD1-AS (PTCHD1 and PHEX antisense RNA; minus strand). Cytogenetic location: Xp22.11.
Variant type: Duplication.
Coding change: c.2039_2042dup on transcript NM_000444.6 (MANE Select); coding-DNA positions 2039 to 2042, 4 bases duplicated (ACAA; older notation c.2039_2042dupACAA).
Protein change: p.Asn681fs; shifts the reading frame from asparagine 681.
Molecular consequence: frameshift variant. On other transcripts: non-coding transcript variant (1).
Genome position (GRCh38, 1-based): chrX:22,227,580-22,227,583, ACAA duplicated; duplicating any 4 consecutive bases within chrX:22,227,579-22,227,583 gives the same sequence; the c. name uses the placement nearest the transcript's 3' end. VCF-style (leftmost placement, unchanged base first): chrX-22227578-C-CAACA. GRCh37 (hg19) VCF-style: chrX-22245695-C-CAACA.
Other names: c.2039_2042dup, p.Asn681fs (NM_001282754.2); short protein forms N681fs.
Identifiers: ClinVar variation 2884099 (VCV002884099.3), dbSNP rs2518676884, ClinGen allele CA2579572418.

ClinVar aggregate classification (germline): Pathogenic (1 of 4 stars; one submission).

Submission:

Labcorp Genetics (formerly Invitae), Labcorp
Classification: Pathogenic. Last evaluated: 2025-08-05. Review status: criteria provided, single submitter. Criteria: Invitae Variant Classification Sherloc (09022015). Collection method: clinical testing. Allele origin: germline.
Comment: This sequence change creates a premature translational stop signal (p.Asn681Lysfs*37) in the PHEX gene. While this is not anticipated to result in nonsense mediated decay, it is expected to disrupt the last 69 amino acid(s) of the PHEX protein. This variant is not present in population databases (gnomAD no frequency). This premature translational stop signal has been observed in individual(s) with X-linked hypophosphatemia (PMID: 30682568). ClinVar contains an entry for this variant (Variation ID: 2884099). This variant disrupts a region of the PHEX protein in which other variant(s) (p.Arg747*) have been determined to be pathogenic (PMID: 9199930, 9768674). This suggests that this is a clinically significant region of the protein, and that variants that disrupt it are likely to be disease-causing. For these reasons, this variant has been classified as Pathogenic.

Literature cited by the submitters: PubMed 30682568; PubMed 9199930; PubMed 9768674.